The following is an entry in ClinVar:

NM_000255.4(MMUT):c.689C>T (p.Thr230Ile)

Gene: MMUT (methylmalonyl-CoA mutase; minus strand). Cytogenetic location: 6p12.3.
Variant type: single nucleotide variant.
Coding change: c.689C>T on transcript NM_000255.4 (MANE Select); coding-DNA position 689, C replaced by T.
Protein change: p.Thr230Ile; replaces threonine 230 with isoleucine.
Molecular consequence: missense variant.
Genome position (GRCh38, 1-based): chr6:49,457,755, G>A on the plus strand (C>T on the coding strand, the complement: MMUT is on the minus strand). VCF-style: chr6-49457755-G-A. GRCh37 (hg19) VCF-style: chr6-49425468-G-A.
Other names: short protein forms T230I.
Identifiers: ClinVar variation 1512244 (VCV001512244.8), dbSNP rs879253833, ClinGen allele CA364404076.

ClinVar aggregate classification (germline): Pathogenic (1 of 4 stars; one submission).

Submission:

Labcorp Genetics (formerly Invitae), Labcorp
Classification: Pathogenic. Last evaluated: 2024-01-15. Review status: criteria provided, single submitter. Criteria: Invitae Variant Classification Sherloc (09022015). Collection method: clinical testing. Allele origin: germline.
Comment: This sequence change replaces threonine, which is neutral and polar, with isoleucine, which is neutral and non-polar, at codon 230 of the MUT protein (p.Thr230Ile). This variant is not present in population databases (gnomAD no frequency). This missense change has been observed in individual(s) with clinical features of methylmalonyl-CoA mutase deficiency (PMID: 16281286, 24059531; Invitae). In at least one individual the data is consistent with being in trans (on the opposite chromosome) from a pathogenic variant. ClinVar contains an entry for this variant (Variation ID: 1512244). Advanced modeling of protein sequence and biophysical properties (such as structural, functional, and spatial information, amino acid conservation, physicochemical variation, residue mobility, and thermodynamic stability) performed at Invitae indicates that this missense variant is expected to disrupt MUT protein function with a positive predictive value of 95%. For these reasons, this variant has been classified as Pathogenic.

Literature cited by the submitters: PubMed 16281286; PubMed 24059531.